The following is an entry in ClinVar:

ClinVar aggregate classification (germline): Uncertain significance (1 of 4 stars; one submission).

Allele frequency attached by ClinVar (database versions not stated): gnomAD exomes below 0.00001; ExAC 0.00001.

Submission:

CeGaT Center for Human Genetics Tuebingen
Classification: Uncertain significance. Last evaluated: 2022-12-01. Review status: criteria provided, single submitter. Criteria: CeGaT Center For Human Genetics Tuebingen Variant Classification Criteria Version 2. Collection method: clinical testing. Allele origin: germline. Affected: yes. Observed: 2 variant alleles.
Comment: ZNF335: PM2, PM3:Supporting

NM_022095.4(ZNF335):c.1967A>G (p.Tyr656Cys)

Gene: ZNF335 (zinc finger protein 335; minus strand). Cytogenetic location: 20q13.12.
Variant type: single nucleotide variant.
Coding change: c.1967A>G on transcript NM_022095.4 (MANE Select); coding-DNA position 1967, A replaced by G.
Protein change: p.Tyr656Cys; replaces tyrosine 656 with cysteine.
Molecular consequence: missense variant.
Genome position (GRCh38, 1-based): chr20:45,960,261, T>C on the plus strand (A>G on the coding strand, the complement: ZNF335 is on the minus strand). VCF-style: chr20-45960261-T-C. GRCh37 (hg19) VCF-style: chr20-44588900-T-C.
Other names: short protein forms Y656C.
Identifiers: ClinVar variation 493322 (VCV000493322.43), dbSNP rs762997315, ClinGen allele CA9885537.